The following is an entry in ClinVar:

NM_032553.3(GPR174):c.546C>T (p.Ser182=)

Gene: GPR174 (G protein-coupled receptor 174; plus strand). Cytogenetic location: Xq21.1.
Variant type: single nucleotide variant.
Coding change: c.546C>T on transcript NM_032553.3 (MANE Select); coding-DNA position 546, C replaced by T.
Protein change: p.Ser182=; no amino-acid change (serine 182 retained).
Molecular consequence: synonymous variant.
Genome position (GRCh38, 1-based): chrX:79,171,553, C>T. VCF-style: chrX-79171553-C-T. GRCh37 (hg19) VCF-style: chrX-78427050-C-T.
Identifiers: ClinVar variation 3029517 (VCV003029517.2), dbSNP rs868726124, ClinGen allele CA331690036.
Genomic context (GRCh38, chrX:79,171,553, plus strand): 5'-TGGCAATAGGACCAAATGCTTTGTGGATCTTCCTACCAGGAATGTCAACCTGGCCCAGTC[C>T]GTTGTTATGATGACCATTGGCGAGTTGATTGGGTTTGTAACTCCGCTTCTGATTGTCCTA-3'
Protein context (NP_115942.1, residues 172-192): LPTRNVNLAQ[Ser182=]VVMMTIGELI

ClinVar aggregate classification (germline): Likely benign (0 of 4 stars; one submission).

Conditions:
GPR174-related disorder. Also called: GPR174-related condition.

Allele frequency attached by ClinVar (database versions not stated): TOPMed 0.00002; gnomAD exomes below 0.00001; gnomAD 0.00002.
gnomAD v4.1: 4 of 1,208,818 alleles (0.00033%); highest among the groups gnomAD compares: Non-Finnish European, 0.00045%; no homozygotes.

Submission:

PreventionGenetics, part of Exact Sciences
Classification: Likely benign for GPR174-related condition. Last evaluated: 2021-06-22. Review status: no assertion criteria provided. Collection method: clinical testing. Allele origin: germline.
Comment: This variant is classified as likely benign based on ACMG/AMP sequence variant interpretation guidelines (Richards et al. 2015 PMID: 25741868, with internal and published modifications).